The following is an entry in ClinVar:

ClinVar aggregate classification (germline): Likely pathogenic (1 of 4 stars; one submission).

Conditions:
Marfan syndrome (MFS). Also called: FBN1-Related Marfan Syndrome; MARFAN SYNDROME, TYPE I; Marfan syndrome type 1; Marfan's syndrome; Marfan syndrome, classic. Identifiers: Orphanet 284963, Orphanet 558, MedGen C0024796, MONDO:0007947, OMIM 154700.
Familial thoracic aortic aneurysm and aortic dissection (TAAD). Also called: Thoracic aortic aneurysms and dissections. Identifiers: Orphanet 91387, MedGen C4707243, MONDO:0019625.

Submission:

Labcorp Genetics (formerly Invitae), Labcorp
Classification: Likely pathogenic for Marfan syndrome; Familial thoracic aortic aneurysm and aortic dissection. Last evaluated: 2025-03-25. Review status: criteria provided, single submitter. Criteria: Invitae Variant Classification Sherloc (09022015). Collection method: clinical testing. Allele origin: germline.
Comment: This sequence change replaces glycine, which is neutral and non-polar, with arginine, which is basic and polar, at codon 1084 of the FBN1 protein (p.Gly1084Arg). This variant is not present in population databases (gnomAD no frequency). This missense change has been observed in individual(s) with clinical features of Marfan syndrome (PMID: 25652356, 34498425; internal data). ClinVar contains an entry for this variant (Variation ID: 967533). Invitae Evidence Modeling of protein sequence and biophysical properties (such as structural, functional, and spatial information, amino acid conservation, physicochemical variation, residue mobility, and thermodynamic stability) indicates that this missense variant is expected to disrupt FBN1 protein function with a positive predictive value of 95%. In summary, the currently available evidence indicates that the variant is pathogenic, but additional data are needed to prove that conclusively. Therefore, this variant has been classified as Likely Pathogenic.

Literature cited by the submitters: PubMed 25652356; PubMed 34498425.

NM_000138.5(FBN1):c.3250G>C (p.Gly1084Arg)

Gene: FBN1 (fibrillin 1; minus strand). Cytogenetic location: 15q21.1.
Variant type: single nucleotide variant.
Coding change: c.3250G>C on transcript NM_000138.5 (MANE Select); coding-DNA position 3250, G replaced by C.
Protein change: p.Gly1084Arg; replaces glycine 1084 with arginine.
Molecular consequence: missense variant.
Genome position (GRCh38, 1-based): chr15:48,488,200, C>G on the plus strand (G>C on the coding strand, the complement: FBN1 is on the minus strand). VCF-style: chr15-48488200-C-G. GRCh37 (hg19) VCF-style: chr15-48780397-C-G.
Other names: short protein forms G1084R.
Identifiers: ClinVar variation 967533 (VCV000967533.9), dbSNP rs112553035, ClinGen allele CA269532106.